The following is an entry in ClinVar:

ClinVar aggregate classification (germline): Uncertain significance (0 of 4 stars; one submission).

Submission:

Department of Pathology and Laboratory Medicine, Sinai Health System
Classification: Uncertain significance. Review status: no assertion criteria provided. Collection method: clinical testing. Allele origin: unknown. Affected: yes. Study: The Canadian Open Genetics Repository (COGR).
Comment: The MEF2A p.Cys41* variant was not identified in the literature nor was it identified in ClinVar, Cosmic or LOVD 3.0. The variant was identified in dbSNP (ID: rs1226726746) and in control databases in 1 of 31402 chromosomes at a frequency of 0.000032 (Genome Aggregation Database Feb 27, 2017). The variant was observed in the following population: European (non-Finnish) in 1 of 15430 chromosomes (freq: 0.000065); it was not observed in the African, Latino, Ashkenazi Jewish, East Asian, European (Finnish), Other, and South Asian populations. The p.Cys41* variant leads to a premature stop codon at position 41 which is predicted to lead to a truncated or absent protein and loss of function. Loss of function variants of the MEF2A gene are not currently an established mechanism of disease, therefore the function of this variant is not known. In summary, based on the above information the clinical significance of this variant cannot be determined with certainty at this time. This variant is classified as a variant of uncertain significance.

NM_001319206.4(MEF2A):c.123_124del (p.Cys41_Glu42delinsTer)

Gene: MEF2A (myocyte enhancer factor 2A; plus strand). Cytogenetic location: 15q26.3.
Variant type: Microsatellite.
Coding change: c.123_124del on transcript NM_001319206.4 (MANE Select); coding-DNA positions 123 to 124, 2 bases deleted (TG; older notation c.123_124delTG).
Protein change: p.Cys41_Glu42delinsTer.
Molecular consequence: nonsense. On other transcripts: intron variant (6).
Genome position (GRCh38, 1-based): chr15:99,645,629-99,645,630, TG deleted; deleting any 2 consecutive bases within chr15:99,645,627-99,645,630 gives the same sequence; the c. name uses the placement nearest the transcript's 3' end. VCF-style (leftmost placement, unchanged base first): chr15-99645626-CTG-C. GRCh37 (hg19) VCF-style: chr15-100185831-CTG-C.
Other names: c.123_124del, p.Cys41_Glu42delinsTer (NM_001130926.5, NM_001171894.5, NM_001352614.4 and 16 more transcripts); c.54+12456_54+12457del (NM_001365209.3, NM_001393559.2, NM_001393558.2 and 3 more transcripts).
Identifiers: ClinVar variation 1049163 (VCV001049163.1), dbSNP rs1226726746, ClinGen allele CA620275096.